The following is an entry in ClinVar:

ClinVar aggregate classification (germline): Uncertain significance (1 of 4 stars; one submission).

Conditions:
Seizures, benign familial infantile, 3 (BFIS3). Also called: CONVULSIONS, BENIGN FAMILIAL INFANTILE, 3; Familial neonatal seizures. Identifiers: Orphanet 140927, Orphanet 306, MedGen C1843140, MONDO:0011904, OMIM 607745.
Developmental and epileptic encephalopathy, 11 (DEE11). Also called: Early infantile epileptic encephalopathy 11. Identifiers: Orphanet 1934, MedGen C3150987, MONDO:0013388, OMIM 613721.

Submission:

Labcorp Genetics (formerly Invitae), Labcorp
Classification: Uncertain significance for Seizures, benign familial infantile, 3; Developmental and epileptic encephalopathy, 11. Last evaluated: 2022-09-23. Review status: criteria provided, single submitter. Criteria: Invitae Variant Classification Sherloc (09022015). Collection method: clinical testing. Allele origin: germline.
Comment: In summary, the available evidence is currently insufficient to determine the role of this variant in disease. Therefore, it has been classified as a Variant of Uncertain Significance. Advanced modeling of protein sequence and biophysical properties (such as structural, functional, and spatial information, amino acid conservation, physicochemical variation, residue mobility, and thermodynamic stability) performed at Invitae indicates that this missense variant is expected to disrupt SCN2A protein function. This variant has not been reported in the literature in individuals affected with SCN2A-related conditions. This variant is not present in population databases (gnomAD no frequency). This sequence change replaces isoleucine, which is neutral and non-polar, with threonine, which is neutral and polar, at codon 1469 of the SCN2A protein (p.Ile1469Thr).

NM_001040142.2(SCN2A):c.4406T>C (p.Ile1469Thr)

Gene: SCN2A (sodium voltage-gated channel alpha subunit 2; plus strand). Cytogenetic location: 2q24.3.
Variant type: single nucleotide variant.
Coding change: c.4406T>C on transcript NM_001040142.2 (MANE Select); coding-DNA position 4406, T replaced by C.
Protein change: p.Ile1469Thr; replaces isoleucine 1469 with threonine.
Molecular consequence: missense variant.
Genome position (GRCh38, 1-based): chr2:165,380,689, T>C. VCF-style: chr2-165380689-T-C. GRCh37 (hg19) VCF-style: chr2-166237199-T-C.
Other names: c.4406T>C, p.Ile1469Thr (NM_001040143.2, NM_001371246.1, NM_001371247.1 and 1 more transcripts); short protein forms I1469T.
Identifiers: ClinVar variation 1720171 (VCV001720171.6), dbSNP rs2468126616, ClinGen allele CA349034152.